The following is an entry in ClinVar:

NM_001080517.3(SETD5):c.1441-14C>T

Gene: SETD5 (SET domain containing 5; plus strand). Cytogenetic location: 3p25.3.
Variant type: single nucleotide variant.
Coding change: c.1441-14C>T on transcript NM_001080517.3 (MANE Select); 14 bases into the intron before coding-DNA position 1441, C replaced by T.
Molecular consequence: intron variant.
Genome position (GRCh38, 1-based): chr3:9,445,643, C>T. VCF-style: chr3-9445643-C-T. GRCh37 (hg19) VCF-style: chr3-9487327-C-T.
Other names: c.1147-14C>T (NM_001349451.2, NM_001292043.2).
Identifiers: ClinVar variation 2878579 (VCV002878579.3), dbSNP rs2041848668, ClinGen allele CA1344732057.
Genomic context (GRCh38, chr3:9,445,643, plus strand): 5'-TAAGCTACCAGAATAAAACAGATTGATTTTTTCTCAGAGCTTGAGTACAGCTGAATATTG[C>T]CTCTATCTTAAAGGAAGTAGACAATCCAGAAGAAAAACCAGAAGAAGAGAAAGAAGAGGT-3'

ClinVar aggregate classification (germline): Uncertain significance (1 of 4 stars; one submission).

Allele frequency attached by ClinVar (database versions not stated): gnomAD exomes below 0.00001.
gnomAD v4.1: 2 of 1,605,746 alleles (0.00012%); highest among the groups gnomAD compares: Non-Finnish European, 0.00017%; no homozygotes.

Submission:

Labcorp Genetics (formerly Invitae), Labcorp
Classification: Uncertain significance. Last evaluated: 2023-10-03. Review status: criteria provided, single submitter. Criteria: Invitae Variant Classification Sherloc (09022015). Collection method: clinical testing. Allele origin: germline.
Comment: This sequence change falls in intron 12 of the SETD5 gene. It does not directly change the encoded amino acid sequence of the SETD5 protein. This variant is not present in population databases (gnomAD no frequency). This variant has not been reported in the literature in individuals affected with SETD5-related conditions. Algorithms developed to predict the effect of sequence changes on RNA splicing suggest that this variant may disrupt the consensus splice site. In summary, the available evidence is currently insufficient to determine the role of this variant in disease. Therefore, it has been classified as a Variant of Uncertain Significance.